The following is an entry in ClinVar:

NM_001845.6(COL4A1):c.13C>G (p.Leu5Val)

Gene: COL4A1 (collagen type IV alpha 1 chain; minus strand). Cytogenetic location: 13q34.
Variant type: single nucleotide variant.
Coding change: c.13C>G on transcript NM_001845.6 (MANE Select); coding-DNA position 13, C replaced by G.
Protein change: p.Leu5Val; replaces leucine 5 with valine.
Molecular consequence: missense variant.
Genome position (GRCh38, 1-based): chr13:110,307,015, G>C on the plus strand (C>G on the coding strand, the complement: COL4A1 is on the minus strand). VCF-style: chr13-110307015-G-C. GRCh37 (hg19) VCF-style: chr13-110959362-G-C.
Other names: c.13C>G, p.Leu5Val (NM_001303110.2); short protein forms L5V.
Identifiers: ClinVar variation 3630315 (VCV003630315.2).

ClinVar aggregate classification (germline): Uncertain significance (1 of 4 stars; one submission).

Submission:

Labcorp Genetics (formerly Invitae), Labcorp
Classification: Uncertain significance. Last evaluated: 2024-02-16. Review status: criteria provided, single submitter. Criteria: Invitae Variant Classification Sherloc (09022015). Collection method: clinical testing. Allele origin: germline.
Comment: This sequence change replaces leucine, which is neutral and non-polar, with valine, which is neutral and non-polar, at codon 5 of the COL4A1 protein (p.Leu5Val). This variant is not present in population databases (gnomAD no frequency). This variant has not been reported in the literature in individuals affected with COL4A1-related conditions. Advanced modeling of protein sequence and biophysical properties (such as structural, functional, and spatial information, amino acid conservation, physicochemical variation, residue mobility, and thermodynamic stability) performed at Invitae indicates that this missense variant is not expected to disrupt COL4A1 protein function with a negative predictive value of 95%. In summary, the available evidence is currently insufficient to determine the role of this variant in disease. Therefore, it has been classified as a Variant of Uncertain Significance.